The following is an entry in ClinVar:

NM_000475.5(NR0B1):c.312C>A (p.Cys104Ter)

Gene: NR0B1 (nuclear receptor subfamily 0 group B member 1; minus strand). Cytogenetic location: Xp21.2.
Variant type: single nucleotide variant.
Coding change: c.312C>A on transcript NM_000475.5 (MANE Select); coding-DNA position 312, C replaced by A.
Protein change: p.Cys104Ter; replaces cysteine 104 with a stop codon.
Molecular consequence: nonsense.
Genome position (GRCh38, 1-based): chrX:30,309,052, G>T on the plus strand (C>A on the coding strand, the complement: NR0B1 is on the minus strand). VCF-style: chrX-30309052-G-T. GRCh37 (hg19) VCF-style: chrX-30327169-G-T.
Other names: short protein forms C104*.
Identifiers: ClinVar variation 4992001 (VCV004992001.1).

ClinVar aggregate classification (germline): Likely pathogenic (1 of 4 stars; one submission).

Conditions:
NR0B1-related disorder.

Submission:

PreventionGenetics, part of Exact Sciences
Classification: Likely pathogenic for NR0B1-related condition. Last evaluated: 2025-12-01. Review status: criteria provided, single submitter. Criteria: ACMG Guidelines, 2015. Collection method: clinical testing. Allele origin: germline.
Comment: The NR0B1 c.312C>A variant is predicted to result in premature protein termination (p.Cys104*). This variant was reported in an individual with adrenal hypoplasia congenita (Krone et al. 2005. PubMed ID: 15841486). This variant has not been reported in a large population database (gnomAD), indicating this variant is rare. Nonsense variants in NR0B1 are expected to be pathogenic. This variant is interpreted as likely pathogenic.